The following is an entry in ClinVar:

ClinVar aggregate classification (germline): Uncertain significance (1 of 4 stars; one submission).

Submission:

Labcorp Genetics (formerly Invitae), Labcorp
Classification: Uncertain significance. Last evaluated: 2024-10-06. Review status: criteria provided, single submitter. Criteria: Invitae Variant Classification Sherloc (09022015). Collection method: clinical testing. Allele origin: germline.
Comment: This sequence change replaces histidine, which is basic and polar, with asparagine, which is neutral and polar, at codon 144 of the TCIRG1 protein (p.His144Asn). This variant is not present in population databases (gnomAD no frequency). This variant has not been reported in the literature in individuals affected with TCIRG1-related conditions. Invitae Evidence Modeling of protein sequence and biophysical properties (such as structural, functional, and spatial information, amino acid conservation, physicochemical variation, residue mobility, and thermodynamic stability) indicates that this missense variant is not expected to disrupt TCIRG1 protein function with a negative predictive value of 80%. In summary, the available evidence is currently insufficient to determine the role of this variant in disease. Therefore, it has been classified as a Variant of Uncertain Significance.

NM_006019.4(TCIRG1):c.430C>A (p.His144Asn)

Gene: TCIRG1 (T cell immune regulator 1, ATPase H+ transporting V0 subunit a3; plus strand). Cytogenetic location: 11q13.2.
Variant type: single nucleotide variant.
Coding change: c.430C>A on transcript NM_006019.4 (MANE Select); coding-DNA position 430, C replaced by A.
Protein change: p.His144Asn; replaces histidine 144 with asparagine.
Molecular consequence: missense variant. On other transcripts: 5 prime UTR variant (1).
Genome position (GRCh38, 1-based): chr11:68,042,958, C>A. VCF-style: chr11-68042958-C-A. GRCh37 (hg19) VCF-style: chr11-67810425-C-A.
Other names: c.-820C>A (NM_001351059.2); short protein forms H144N.
Identifiers: ClinVar variation 3665091 (VCV003665091.2).
Genomic context (GRCh38, chr11:68,042,958, plus strand): 5'-GGGGAGGGGCTGTCCAGCCTAGGGCTCATGGTGCTTCTGGGTTCCTAGCTGGCAGCCGCC[C>A]ACACAGATGGGGCCTCAGAGAGGACGCCCCTGCTCCAGGCCCCCGGGGGGCCGCACCAGG-3'
Protein context (NP_006010.2, residues 134-154): QGHEPQLAAA[His144Asn]TDGASERTPL